The following is an entry in ClinVar:

NC_000016.9:g.89840944_89876535del

Variant type: Deletion.
Identifiers: ClinVar variation 974194 (VCV000974194.1).

ClinVar aggregate classification (germline): Pathogenic (0 of 4 stars; one submission).

Conditions:
Fanconi anemia complementation group A (FANCA). Also called: Fanconi anemia, group A; FANCA-Related Fanconi Anemia. Identifiers: Orphanet 84, MedGen C3469521, MONDO:0009215, OMIM 227650.

Submission:

Leiden Open Variation Database
Classification: Pathogenic for Fanconi anemia complementation group A. Last evaluated: 2020-02-28. Review status: no assertion criteria provided. Collection method: curation. Allele origin: germline. Affected: yes.
Comment: Curator: Arleen D. Auerbach. Submitter to LOVD: Arleen D. Auerbach.

Literature cited by the submitters: PubMed 25168418.